The following is an entry in ClinVar:

NM_002439.5(MSH3):c.2626C>A (p.Gln876Lys)

Gene: MSH3 (mutS homolog 3; plus strand). Cytogenetic location: 5q14.1.
Variant type: single nucleotide variant.
Coding change: c.2626C>A on transcript NM_002439.5 (MANE Select); coding-DNA position 2626, C replaced by A.
Protein change: p.Gln876Lys; replaces glutamine 876 with lysine.
Molecular consequence: missense variant.
Genome position (GRCh38, 1-based): chr5:80,792,815, C>A. VCF-style: chr5-80792815-C-A. GRCh37 (hg19) VCF-style: chr5-80088634-C-A.
Other names: short protein forms Q876K.
Identifiers: ClinVar variation 1793998 (VCV001793998.3), dbSNP rs1744631488, ClinGen allele CA360273003.
Genomic context (GRCh38, chr5:80,792,815, plus strand): 5'-AAAATTGTAATAAAAAATGGAAGGCACCCTGTGATTGATGTGTTGCTGGGAGAACAGGAT[C>A]AATATGTCCCAAATAATACAGATTTATCAGTAAGTACCTTATGCCAAAAAATAAGTCGAT-3'
Protein context (NP_002430.3, residues 866-886): VIDVLLGEQD[Gln876Lys]YVPNNTDLSE

ClinVar aggregate classification (germline): Uncertain significance. Review status: criteria provided, multiple submitters, no conflicts (2 of 4 stars). 2 submissions from 2 submitters: Uncertain significance (2). Last evaluated 2025-11-23.

Conditions:
Hereditary cancer-predisposing syndrome. Also called: Tumor predisposition; Hereditary Cancer Syndrome; Neoplastic Syndromes, Hereditary; Hereditary neoplastic syndrome. Identifiers: Orphanet 140162, MedGen C0027672, MeSH D009386, MONDO:0015356.

Submissions (2):

Labcorp Genetics (formerly Invitae), Labcorp
Classification: Uncertain significance. Last evaluated: 2025-11-23. Review status: criteria provided, single submitter. Criteria: Invitae Variant Classification Sherloc (09022015). Collection method: clinical testing. Allele origin: germline.
Comment: This sequence change replaces glutamine, which is neutral and polar, with lysine, which is basic and polar, at codon 876 of the MSH3 protein (p.Gln876Lys). This variant is not present in population databases (gnomAD no frequency). This variant has not been reported in the literature in individuals affected with MSH3-related conditions. ClinVar contains an entry for this variant (Variation ID: 1793998). An algorithm developed to predict the effect of missense changes on protein structure and function (PolyPhen-2) suggests that this variant is likely to be disruptive. In summary, the available evidence is currently insufficient to determine the role of this variant in disease. Therefore, it has been classified as a Variant of Uncertain Significance.

Ambry Genetics
Classification: Uncertain significance for Hereditary cancer-predisposing syndrome. Last evaluated: 2021-03-15. Review status: criteria provided, single submitter. Criteria: Ambry Variant Classification Scheme 2023. Collection method: clinical testing. Allele origin: germline.
Comment: The p.Q876K variant (also known as c.2626C>A), located in coding exon 19 of the MSH3 gene, results from a C to A substitution at nucleotide position 2626. The glutamine at codon 876 is replaced by lysine, an amino acid with similar properties. This amino acid position is highly conserved in available vertebrate species. In addition, the in silico prediction for this alteration is inconclusive. Since supporting evidence is limited at this time, the clinical significance of this alteration remains unclear.